The following is an entry in ClinVar:

NM_016203.4(PRKAG2):c.947-22_947-6dup

Gene: PRKAG2 (protein kinase AMP-activated non-catalytic subunit gamma 2; minus strand). Cytogenetic location: 7q36.1.
Variant type: Duplication.
Coding change: c.947-22_947-6dup on transcript NM_016203.4 (MANE Select); 22 bases into the intron before coding-DNA position 947 through 6 bases into the intron before coding-DNA position 947, 17 bases duplicated (AACATGTAATTCTTTGT).
Molecular consequence: intron variant.
Genome position (GRCh38, 1-based): chr7:151,574,955-151,574,971, ACAAAGAATTACATGTT duplicated on the plus strand (AACATGTAATTCTTTGT on the coding strand, the reverse complement: PRKAG2 is on the minus strand); duplicating any 17 consecutive bases within chr7:151,574,955-151,574,976 gives the same sequence; the c. name uses the placement nearest the transcript's 3' end. VCF-style (leftmost placement, unchanged base first): chr7-151574954-A-AACAAAGAATTACATGTT. GRCh37 (hg19) VCF-style: chr7-151272040-A-AACAAAGAATTACATGTT.
Other names: c.815-22_815-6dup (NM_001040633.2); c.572-22_572-6dup (NM_001304527.2); c.575-22_575-6dup (NM_001363698.2); c.224-22_224-6dup (NM_001304531.2, NM_024429.2).
Identifiers: ClinVar variation 944659 (VCV000944659.10), dbSNP rs1808529942, ClinGen allele CA1139660347.

ClinVar aggregate classification (germline): Uncertain significance. Review status: criteria provided, multiple submitters, no conflicts (2 of 4 stars). 2 submissions from 2 submitters: Uncertain significance (2). Last evaluated 2023-05-04.

Conditions:
Lethal congenital glycogen storage disease of heart. Also called: GLYCOGEN STORAGE DISEASE OF HEART; PHOSPHORYLASE KINASE DEFICIENCY OF HEART. Identifiers: Orphanet 439854, MedGen C1849813, MONDO:0009867, OMIM 261740.
Hypertrophic cardiomyopathy. Also called: HYPERTROPHIC MYOCARDIOPATHY. Identifiers: Orphanet 217569, MedGen C0007194, MeSH D002312, MONDO:0005045, HP:0001639.

Submissions (2):

All of Us Research Program, National Institutes of Health
Classification: Uncertain significance for Hypertrophic cardiomyopathy. Last evaluated: 2023-05-04. Review status: criteria provided, single submitter. Criteria: ACMG Guidelines, 2015. Collection method: clinical testing. Allele origin: germline. Inheritance: Autosomal dominant inheritance. Observed: 1 variant allele, 1 heterozygote.
Comment: This variant causes a duplication of 17 nucleotides in intron 7 of the PRKAG2 gene. To our knowledge, functional studies have not been reported for this variant. This variant has not been reported in individuals affected with PRKAG2-related disorders in the literature. This variant has not been identified in the general population by the Genome Aggregation Database (gnomAD). The available evidence is insufficient to determine the role of this variant in disease conclusively. Therefore, this variant is classified as a Variant of Uncertain Significance.

This study involves interpretation of variants in research participants for the purpose of population health screening. Participant phenotype was not available at the time of variant classification. Additional details can be found in publication PMID: 35346344, PMCID: PMC8962531

Labcorp Genetics (formerly Invitae), Labcorp
Classification: Uncertain significance for Lethal congenital glycogen storage disease of heart. Last evaluated: 2019-05-10. Review status: criteria provided, single submitter. Criteria: Invitae Variant Classification Sherloc (09022015). Collection method: clinical testing. Allele origin: germline.
Comment: In summary, the available evidence is currently insufficient to determine the role of this variant in disease. Therefore, it has been classified as a Variant of Uncertain Significance. Nucleotide substitutions within the consensus splice site are a relatively common cause of aberrant splicing (PMID: 17576681, 9536098). Algorithms developed to predict the effect of sequence changes on RNA splicing suggest that this variant may create or strengthen a splice site, but this prediction has not been confirmed by published transcriptional studies. This variant has not been reported in the literature in individuals with PRKAG2-related conditions. This variant is not present in population databases (ExAC no frequency). This sequence change falls in intron 7 of the PRKAG2 gene. It does not directly change the encoded amino acid sequence of the PRKAG2 protein, but it affects a nucleotide within the consensus splice site of the intron.

Literature cited by the submitters: PubMed 17576681 (cited by Labcorp Genetics (formerly Invitae), Labcorp); PubMed 9536098 (cited by Labcorp Genetics (formerly Invitae), Labcorp).